The following is an entry in ClinVar:

NM_153676.4(USH1C):c.1429C>G (p.Arg477Gly)

Gene: USH1C (USH1 protein network component harmonin; minus strand). Cytogenetic location: 11p15.1.
Variant type: single nucleotide variant.
Coding change: c.1429C>G on transcript NM_153676.4 (MANE Select); coding-DNA position 1429, C replaced by G.
Protein change: p.Arg477Gly; replaces arginine 477 with glycine.
Molecular consequence: missense variant. On other transcripts: intron variant (2).
Genome position (GRCh38, 1-based): chr11:17,510,506, G>C on the plus strand (C>G on the coding strand, the complement: USH1C is on the minus strand). VCF-style: chr11-17510506-G-C. GRCh37 (hg19) VCF-style: chr11-17532053-G-C.
Other names: c.1227+6895C>G (NM_001297764.2); c.1284+6895C>G (NM_005709.4); short protein forms R477G.
Identifiers: ClinVar variation 3252631 (VCV003252631.2), dbSNP rs368639867.
Genomic context (GRCh38, chr11:17,510,506, plus strand): 5'-GCGTTTGACAGAGCCTCTCCACCCAATATTGAATCTTTTCCGATTCTTCAAGGTCTTCCC[G>C]CTCTGTCTCAGACACCTGGGACCCAGGATCGGCGCAGAAAGGAGAGGACAAAGGGCACAT-3'
Protein context (NP_710142.1, residues 467-487): RLAQEVSETE[Arg477Gly]EDLEESEKIQ

ClinVar aggregate classification (germline): Uncertain significance. Review status: criteria provided, multiple submitters, no conflicts (2 of 4 stars). 2 submissions from 2 submitters: Uncertain significance (2). Last evaluated 2024-01-22.

Conditions:
Usher syndrome type 1C. Also called: USHER SYNDROME, TYPE I, ACADIAN VARIETY. Identifiers: Orphanet 231169, Orphanet 886, MedGen C1848604, MONDO:0010171, OMIM 276904.
Autosomal recessive nonsyndromic hearing loss 18A. Also called: DEAFNESS, AUTOSOMAL RECESSIVE 18; Deafness, autosomal recessive 18A. Identifiers: Orphanet 90636, MedGen C1865870, MONDO:0011192, OMIM 602092.
Usher syndrome type 1 (USH1). Also called: RETINITIS PIGMENTOSA AND CONGENITAL DEAFNESS. Identifiers: Orphanet 231169, Orphanet 886, MedGen C1568247, MONDO:0010168, OMIM 276900.

Allele frequency attached by ClinVar (database versions not stated): ESP Exome Variant Server 0.00008.
gnomAD v4.1: 84 of 1,613,844 alleles (0.0052%); highest among the groups gnomAD compares: Non-Finnish European, 0.0066%; no homozygotes.

Submissions (2):

GeneDx
Classification: Uncertain significance. Last evaluated: 2024-01-22. Review status: criteria provided, single submitter. Criteria: GeneDx Variant Classification Process June 2021. Collection method: clinical testing. Allele origin: germline. Affected: yes.
Comment: Not observed at significant frequency in large population cohorts (gnomAD); In silico analysis supports that this missense variant does not alter protein structure/function; Has not been previously published as pathogenic or benign to our knowledge; Reported using an alternate transcript of the gene

Department of Pathology and Laboratory Medicine, Sinai Health System
Classification: Uncertain significance for Usher syndrome type 1; Usher syndrome type 1C; Autosomal recessive nonsyndromic hearing loss 18A. Last evaluated: 2021-07-30. Review status: criteria provided, single submitter. Criteria: ACMG Guidelines, 2015. Collection method: research. Allele origin: germline.